The following is an entry in ClinVar:

ClinVar aggregate classification (germline): Pathogenic/Likely pathogenic. Review status: criteria provided, multiple submitters, no conflicts (2 of 4 stars). 4 submissions from 4 submitters: Pathogenic (2); Likely pathogenic (2). Last evaluated 2026-05-18.

Conditions:
PKD1-related disorder. Also called: PKD1-related condition.
Polycystic kidney disease, adult type (PKD1). Also called: POLYCYSTIC KIDNEY DISEASE, ADULT, TYPE I; Polycystic Kidney Disease 1, Autosomal Dominant; Polycystic kidney disease 1; Polycystic kidney disease 1, severe; Polycystic Kidney, Autosomal Dominant; POLYCYSTIC KIDNEY DISEASE 1 WITH OR WITHOUT POLYCYSTIC LIVER DISEASE. Identifiers: MedGen C3149841, MONDO:0008263, OMIM 173900.

Submissions (4):

Victorian Clinical Genetics Services, Murdoch Childrens Research Institute
Classification: Pathogenic for Polycystic kidney disease, adult type. Last evaluated: 2026-05-18. Review status: criteria provided, single submitter. Criteria: ACMG Guidelines, 2015. Collection method: clinical testing. Allele origin: germline. Affected: yes.
Comment: This variant is classified as Pathogenic. Evidence in support of pathogenic classification: Variant is absent from gnomAD (v2, v3 and v4); This variant has moderate previous evidence of pathogenicity in unrelated individuals. This variant has been classified as likely pathogenic by ClinVar clinical laboratories. It has also been reported in the literature in individuals with ADPKD (PMIDs: 26453610, 37372416); Other missense variant(s) comparable to the one identified in this case have strong previous evidence for pathogenicity. p.(Asn1870Ile), p.(Asn1870His), p.(Asn1870Asp) were classified as likely pathogenic/VUS, likely pathogenic and VUS, respectively, by ClinVar clinical laboratories. p.(Asn1870His), p.(Asn1870Lys), p.(Asn1870Asp) have been reported in the literature in multiple individuals with ADPKD (PMID: 17582161, 22008521, 22508176); Missense variant predicted to be damaging by in silico tool(s) or highly conserved with a major amino acid change. Additional information: Variant is predicted to result in a missense amino acid change from Asn to Ser; This variant is heterozygous; This gene is associated with autosomal dominant disease. Polycystic kidney disease 1 (MIM#173900) is predominantly caused by monoallelic variants, with rare reports of biallelic variants causing disease (OMIM); No published evidence of segregation with disease has been identified for this variant; No published functional evidence has been identified for this variant; Variant is located in the annotated PKD domain (DECIPHER); Loss of function is a known mechanism of disease in this gene and is associated with polycystic kidney disease 1 (MIM#173900); Inheritance information for this variant is not currently available in this individual.

PreventionGenetics, part of Exact Sciences
Classification: Pathogenic for PKD1-related condition. Last evaluated: 2025-07-30. Review status: criteria provided, single submitter. Criteria: ACMG Guidelines, 2015. Collection method: clinical testing. Allele origin: germline.
Comment: The PKD1 c.5609A>G variant is predicted to result in the amino acid substitution p.Asn1870Ser. This variant has been reported in presumably unrelated individuals with polycystic kidney disease (Table S3, Hwang et al. 2016. PubMed ID: 26453610; Nigro et al. 2023. PubMed ID: 37372416; Internal Data, PreventionGenetics). This variant has not been reported in a large population database (gnomAD), indicating this variant is rare. Of note, different substitutions at the same codon have been reported in individuals with autosomal dominant polycystic kidney disease (ADPKD) (p.Asn1870Asp in Supp. Table S5, Audrézet et al. 2012. PubMed ID: 22508176; p.Asn1870Lys in Bataille et al. 2011. PubMed ID: 22008521; p.Asn1870His in Table IC, Rossetti et al. 2007. PubMed ID: 17582161). Taken together, the c.5609A>G (p.Asn1870Ser) variant is interpreted as pathogenic.

Fulgent Genetics
Classification: Likely pathogenic for Polycystic kidney disease, adult type. Last evaluated: 2023-12-21. Review status: criteria provided, single submitter. Criteria: ACMG Guidelines, 2015. Collection method: clinical testing. Allele origin: germline.

Blueprint Genetics
Classification: Likely pathogenic for PKD1-related disorders. Last evaluated: 2021-03-16. Review status: criteria provided, single submitter. Criteria: ACMG Guidelines, 2015. Collection method: clinical testing. Allele origin: germline. Affected: yes. Observed: 1 variant allele.

Literature cited by the submitters: PubMed 22008521 (cited by Victorian Clinical Genetics Services, Murdoch Childrens Research Institute); PubMed 37372416 (cited by Victorian Clinical Genetics Services, Murdoch Childrens Research Institute); PubMed 17582161 (cited by Victorian Clinical Genetics Services, Murdoch Childrens Research Institute); PubMed 26453610 (cited by Victorian Clinical Genetics Services, Murdoch Childrens Research Institute); PubMed 22508176 (cited by Victorian Clinical Genetics Services, Murdoch Childrens Research Institute).

NM_001009944.3(PKD1):c.5609A>G (p.Asn1870Ser)

Gene: PKD1 (polycystin 1, transient receptor potential channel interacting; minus strand). Cytogenetic location: 16p13.3.
Variant type: single nucleotide variant.
Coding change: c.5609A>G on transcript NM_001009944.3 (MANE Select); coding-DNA position 5609, A replaced by G.
Protein change: p.Asn1870Ser; replaces asparagine 1870 with serine.
Molecular consequence: missense variant.
Genome position (GRCh38, 1-based): chr16:2,109,558, T>C on the plus strand (A>G on the coding strand, the complement: PKD1 is on the minus strand). VCF-style: chr16-2109558-T-C. GRCh37 (hg19) VCF-style: chr16-2159559-T-C.
Other names: c.5609A>G, p.Asn1870Ser (NM_000296.4); short protein forms N1870S.
Identifiers: ClinVar variation 3033860 (VCV003033860.7), dbSNP rs2544811132, ClinGen allele CA394376184.
Genomic context (GRCh38, chr16:2,109,558, plus strand): 5'-AGGCCCACGATGGGCTCCTCCGCCGTGAGGTTGTACGTGGCTGAGACCCAGCTGACTGCG[T>C]TGGAGGCATTGAGCCGGATGGAGAAGGTGCCAGCATCCGGGAAGACCATGGTGACATGAG-3'
Protein context (NP_001009944.3, residues 1860-1880): GTFSIRLNAS[Asn1870Ser]AVSWVSATYN